The following is an entry in ClinVar:

ClinVar aggregate classification (germline): Pathogenic/Likely pathogenic. Review status: criteria provided, multiple submitters, no conflicts (2 of 4 stars). 4 submissions from 3 submitters: Pathogenic (1); Likely pathogenic (1). 2 of the submissions do not count toward it. Last evaluated 2024-03-17.

Conditions:
Farber lipogranulomatosis (FRBRL). Also called: Farber's lipogranulomatosis; Farber disease; AC DEFICIENCY; ACID CERAMIDASE DEFICIENCY; CERAMIDASE DEFICIENCY; N-LAURYLSPHINGOSINE DEACYLASE DEFICIENCY. Identifiers: Orphanet 333, MedGen C0268255, MONDO:0009218, OMIM 228000.

Allele frequency attached by ClinVar (database versions not stated): gnomAD exomes below 0.00001; ExAC 0.00001.
gnomAD v4.1: 1 of 1,614,030 alleles (0.000062%); highest among the groups gnomAD compares: South Asian, 0.0011%; no homozygotes.

Submissions (4):

Genomic Medicine Center of Excellence, King Faisal Specialist Hospital and Research Centre
Classification: Likely pathogenic for Farber lipogranulomatosis. Last evaluated: 2024-03-17. Review status: criteria provided, single submitter. Criteria: ACMG Guidelines, 2015. Collection method: research. Allele origin: germline.

Neuberg Centre For Genomic Medicine, NCGM
Classification: Pathogenic for Farber lipogranulomatosis. Last evaluated: 2023-03-01. Review status: criteria provided, single submitter. Criteria: ACMG Guidelines, 2015. Collection method: clinical testing. Allele origin: germline. Inheritance: Autosomal recessive inheritance. Affected: yes.
Comment: The missense/ splice region variant c.505T>C (p.Trp169Arg) in the ASAH1 gene has been reported previously in compound heterozygous and homozygous states in individuals affected with Farber's Disease. Experimental studies have shown that this missense change affects protein function (Gebai et al., 2018; Moghadam et al., 2019). This variant is reported with the allele frequency (0.0003%) in the gnomAD and novel in the 1000 genome database. It is submitted to ClinVar with varying interpretations as Pathogenic/ Likely Pathogenic. The amino acid Tryptophan at position 169 is changed to an Arginine changing protein sequence and it might alter its composition and physico-chemical properties. The variant is predicted as damaging by SIFT. The amino acid change p.Trp169Arg in ASAH1 is predicted as conserved by GERP++ and PhyloP across 100 vertebrates. For these reasons, this variant has been classified as Pathogenic.

OMIM
Classification: Pathogenic for FARBER LIPOGRANULOMATOSIS. Last evaluated: 2021-10-04. Review status: no assertion criteria provided. Collection method: literature only. Allele origin: germline. Not counted in ClinVar's aggregate classification.

Genomic Medicine Center of Excellence, King Faisal Specialist Hospital and Research Centre
Classification: Likely pathogenic. Review status: flagged submission. Criteria: ACMG Guidelines, 2015. Collection method: research. Allele origin: germline. Affected: yes. Not counted in ClinVar's aggregate classification.
ClinVar note: Reason: This record appears to be redundant with a more recent record from the same submitter.
ClinVar note: Notes: SCV000221732 appears to be redundant with SCV004805067.

Literature cited by the submitters: PubMed 26945816 (cited by OMIM).

NM_177924.5(ASAH1):c.505T>C (p.Trp169Arg)

Gene: ASAH1 (N-acylsphingosine amidohydrolase 1; minus strand). Cytogenetic location: 8p22.
Variant type: single nucleotide variant.
Coding change: c.505T>C on transcript NM_177924.5 (MANE Select); coding-DNA position 505, T replaced by C.
Protein change: p.Trp169Arg; replaces tryptophan 169 with arginine.
Molecular consequence: missense variant.
Genome position (GRCh38, 1-based): chr8:18,062,422, A>G on the plus strand (T>C on the coding strand, the complement: ASAH1 is on the minus strand). VCF-style: chr8-18062422-A-G. GRCh37 (hg19) VCF-style: chr8-17919931-A-G.
Other names: c.487T>C, p.Trp163Arg (NM_001127505.3); c.310T>C, p.Trp104Arg (NM_001363743.2); c.553T>C, p.Trp185Arg (NM_004315.6); short protein forms W185R, W163R, W169R, W104R.
Identifiers: ClinVar variation 191340 (VCV000191340.6), dbSNP rs756455049, ClinGen allele CA236461.
Genomic context (GRCh38, chr8:18,062,422, plus strand): 5'-AATTCACTGTTAAAGGTTTTAGTTGCTCAGTTATGACCCAGGTATCATTATTTATGTTCC[A>G]CCTATAAAAGACATGTTTCAGTGACATTTCAGAAACACAGTGATAGTAATGATCAACATG-3'
Protein context (NP_808592.2, residues 159-179): RNMDFGVFLG[Trp169Arg]NINNDTWVIT